The following is an entry in ClinVar:

NM_015910.7(WDPCP):c.865G>T (p.Val289Phe)

Gene: WDPCP (WD repeat containing planar cell polarity effector; minus strand). Cytogenetic location: 2p15.
Variant type: single nucleotide variant.
Coding change: c.865G>T on transcript NM_015910.7 (MANE Select); coding-DNA position 865, G replaced by T.
Protein change: p.Val289Phe; replaces valine 289 with phenylalanine.
Molecular consequence: missense variant. On other transcripts: non-coding transcript variant (3).
Genome position (GRCh38, 1-based): chr2:63,404,618, C>A on the plus strand (G>T on the coding strand, the complement: WDPCP is on the minus strand). VCF-style: chr2-63404618-C-A. GRCh37 (hg19) VCF-style: chr2-63631753-C-A.
Other names: c.388G>T, p.Val130Phe (NM_001042692.3); c.793G>T, p.Val265Phe (NM_001354044.2); c.865G>T, p.Val289Phe (NM_001354045.2); short protein forms V265F, V289F, V130F.
Identifiers: ClinVar variation 4986828 (VCV004986828.1).
Genomic context (GRCh38, chr2:63,404,618, plus strand): 5'-CTACACTTACGGAGTGCTCCACTGTGAACACCTGATAAGGCTGTTTGGTGCCAAAGCGAA[C>A]ATCCAGTGGGTCCCATTCTGTGCGGACAGAACTCAGAACCTGTTAAGAAATATATCAAGT-3'
Protein context (NP_056994.3, residues 279-299): SVRTEWDPLD[Val289Phe]RFGTKQPYQV

ClinVar aggregate classification (germline): Uncertain significance (1 of 4 stars; one submission).

Conditions:
WDPCP-related disorder. Also called: WDPCP-related condition.

gnomAD v4.1: 1 of 1,614,000 alleles (0.000062%); highest among the groups gnomAD compares: African/African-American, 0.0013%; no homozygotes.

Submission:

PreventionGenetics, part of Exact Sciences
Classification: Uncertain significance for WDPCP-related condition. Last evaluated: 2026-01-20. Review status: criteria provided, single submitter. Criteria: ACMG Guidelines, 2015. Collection method: clinical testing. Allele origin: germline.
Comment: The WDPCP c.865G>T variant is predicted to result in the amino acid substitution p.Val289Phe. To our knowledge, this variant has not been reported in the literature or in a large population database (gnomAD), indicating this variant is rare. At this time, the clinical significance of this variant is uncertain due to the absence of conclusive functional and genetic evidence.